The following is an entry in ClinVar:

ClinVar aggregate classification (germline): Uncertain significance (1 of 4 stars; one submission).

Conditions:
Melanoma, cutaneous malignant, susceptibility to, 5. Also called: Cutaneous malignant melanoma 5. Identifiers: Orphanet 618, MedGen C2751295, MONDO:0013133, OMIM 613099.

Submission:

Labcorp Genetics (formerly Invitae), Labcorp
Classification: Uncertain significance for Melanoma, cutaneous malignant, susceptibility to, 5. Last evaluated: 2022-01-27. Review status: criteria provided, single submitter. Criteria: Invitae Variant Classification Sherloc (09022015). Collection method: clinical testing. Allele origin: germline.
Comment: This sequence change disrupts the translational stop signal of the MC1R mRNA. It is expected to extend the length of the MC1R protein by 4 additional amino acid residues. This variant is not present in population databases (gnomAD no frequency). This variant has not been reported in the literature in individuals affected with MC1R-related conditions. Experimental studies and prediction algorithms are not available or were not evaluated, and the functional significance of this variant is currently unknown. In summary, the available evidence is currently insufficient to determine the role of this variant in disease. Therefore, it has been classified as a Variant of Uncertain Significance.

NM_002386.4(MC1R):c.954_*8del (p.Ter318Xaa)

Gene: MC1R (melanocortin 1 receptor; plus strand). Cytogenetic location: 16q24.3.
Variant type: Deletion.
Coding change: c.954_*8del on transcript NM_002386.4 (MANE Select); coding-DNA position 954 through 8 bases downstream of the stop codon, 9 bases deleted (AGCGCGGTG; older notation c.954_*8delAGCGCGGTG).
Protein change: p.Ter318Xaa.
Molecular consequence: stop lost.
Genome position (GRCh38, 1-based): chr16:89,920,212-89,920,220, AGCGCGGTG deleted; deleting any 9 consecutive bases within chr16:89,920,208-89,920,220 gives the same sequence; the c. name uses the placement nearest the transcript's 3' end. VCF-style (leftmost placement, unchanged base first): chr16-89920207-TGGTGAGCGC-T. GRCh37 (hg19) VCF-style: chr16-89986615-TGGTGAGCGC-T.
Identifiers: ClinVar variation 1434648 (VCV001434648.7), dbSNP rs2045708145, ClinGen allele CA2242009920.